The following is an entry in ClinVar:

ClinVar aggregate classification (germline): Uncertain significance (1 of 4 stars; one submission).

Submission:

Ambry Genetics
Classification: Uncertain significance. Last evaluated: 2025-07-05. Review status: criteria provided, single submitter. Criteria: Ambry Variant Classification Scheme 2023. Collection method: clinical testing. Allele origin: germline.
Comment: The p.P1350L variant (also known as c.4049C>T), located in coding exon 10 of the MLH3 gene, results from a C to T substitution at nucleotide position 4049. The proline at codon 1350 is replaced by leucine, an amino acid with similar properties. This amino acid position is conserved. In addition, this alteration is predicted to be deleterious by in silico analysis. Based on the available evidence, the clinical significance of this variant remains unclear.

NM_001040108.2(MLH3):c.4049C>T (p.Pro1350Leu)

Gene: MLH3 (mutL homolog 3; minus strand). Cytogenetic location: 14q24.3.
Variant type: single nucleotide variant.
Coding change: c.4049C>T on transcript NM_001040108.2 (MANE Select); coding-DNA position 4049, C replaced by T.
Protein change: p.Pro1350Leu; replaces proline 1350 with leucine.
Molecular consequence: missense variant.
Genome position (GRCh38, 1-based): chr14:75,022,855, G>A on the plus strand (C>T on the coding strand, the complement: MLH3 is on the minus strand). VCF-style: chr14-75022855-G-A. GRCh37 (hg19) VCF-style: chr14-75489558-G-A.
Other names: c.3977C>T, p.Pro1326Leu (NM_014381.3); short protein forms P1350L, P1326L.
Identifiers: ClinVar variation 4108632 (VCV004108632.1).